The following is an entry in ClinVar:

NM_004621.6(TRPC6):c.1850A>G (p.Asn617Ser)

Gene: TRPC6 (transient receptor potential cation channel subfamily C member 6; minus strand). Cytogenetic location: 11q22.1.
Variant type: single nucleotide variant.
Coding change: c.1850A>G on transcript NM_004621.6 (MANE Select); coding-DNA position 1850, A replaced by G.
Protein change: p.Asn617Ser; replaces asparagine 617 with serine.
Molecular consequence: missense variant.
Genome position (GRCh38, 1-based): chr11:101,473,668, T>C on the plus strand (A>G on the coding strand, the complement: TRPC6 is on the minus strand). VCF-style: chr11-101473668-T-C. GRCh37 (hg19) VCF-style: chr11-101344399-T-C.
Other names: short protein forms N617S.
Identifiers: ClinVar variation 3359416 (VCV003359416.1).

ClinVar aggregate classification (germline): Uncertain significance (1 of 4 stars; one submission).

Submission:

GeneDx
Classification: Uncertain significance. Last evaluated: 2023-06-06. Review status: criteria provided, single submitter. Criteria: GeneDx Variant Classification Process June 2021. Collection method: clinical testing. Allele origin: germline. Affected: yes.
Comment: Not observed at significant frequency in large population cohorts (gnomAD); In silico analysis supports that this missense variant has a deleterious effect on protein structure/function; Has not been previously published as pathogenic or benign to our knowledge